The following is an entry in ClinVar:

NM_033305.3(VPS13A):c.4498dup (p.Ala1500fs)

Gene: VPS13A (vacuolar protein sorting 13 homolog A; plus strand). Cytogenetic location: 9q21.2.
Variant type: Duplication.
Coding change: c.4498dup on transcript NM_033305.3 (MANE Select); coding-DNA position 4498, one base duplicated (G; older notation c.4498dupG).
Protein change: p.Ala1500fs; shifts the reading frame from alanine 1500.
Molecular consequence: frameshift variant.
Genome position (GRCh38, 1-based): chr9:77,315,338, G duplicated. VCF-style (leftmost placement, unchanged base first): chr9-77315337-T-TG. GRCh37 (hg19) VCF-style: chr9-79930253-T-TG.
Other names: c.4498dupG (NM_033305.2); c.4381dup, p.Ala1461fs (NM_001018037.2); c.4498dup, p.Ala1500fs (NM_001018038.3, NM_015186.4); short protein forms A1461fs, A1500fs.
Identifiers: ClinVar variation 647689 (VCV000647689.3), dbSNP rs1564721202, ClinGen allele CA588651425.
Genomic context (GRCh38, chr9:77,315,337, plus strand): 5'-TGACAAAAAAGACATGATGGATATAAAGTACAGGAAAGTCAGAGATGGTTGTGTGACTGA[T>TG]GCGGTCTTTCAAGAAATGTATATTTGTGCAAGCGTAGAATTTCTGCAGACTGTTGCAAAT-3'

ClinVar aggregate classification (germline): Pathogenic. Review status: criteria provided, multiple submitters, no conflicts (2 of 4 stars). 2 submissions from 2 submitters: Pathogenic (2). Last evaluated 2024-05-08.

Conditions:
VPS13A-related neurodegenerative disease. Also called: LEVINE-CRITCHLEY SYNDROME; Choreoacanthocytosis; VPS13A Disease; ACANTHOCYTOSIS WITH NEUROLOGIC DISORDER; Chorea-acanthocytosis; Choreaacanthocytosis. Identifiers: Orphanet 2388, MedGen C0393576, MONDO:0008695, OMIM 200150.

Allele frequency attached by ClinVar (database versions not stated): gnomAD exomes below 0.00001.

Submissions (2):

Myriad Genetics, Inc.
Classification: Pathogenic for VPS13A-related neurodegenerative disease. Last evaluated: 2024-05-08. Review status: criteria provided, single submitter. Criteria: Myriad Autosomal Dominant, Autosomal Recessive and X-Linked Classification Criteria (2023). Collection method: clinical testing. Allele origin: unknown.
Comment: NM_033305.2(VPS13A):c.4498dupG(A1500Gfs*24) is expected to be pathogenic in the context of VPS13A disease. This variant is predicted to lead to an abnormal or absent protein product due to the creation of a premature termination codon in VPS13A, a gene where loss-of-function variants are known to be pathogenic. Please note: this variant was assessed in the context of healthy population screening.

Labcorp Genetics (formerly Invitae), Labcorp
Classification: Pathogenic. Last evaluated: 2018-12-10. Review status: criteria provided, single submitter. Criteria: Invitae Variant Classification Sherloc (09022015). Collection method: clinical testing. Allele origin: germline.
Comment: This sequence change creates a premature translational stop signal (p.Ala1500Glyfs*24) in the VPS13A gene. It is expected to result in an absent or disrupted protein product. This variant is not present in population databases (ExAC no frequency). This variant has not been reported in the literature in individuals with VPS13A-related conditions. Loss-of-function variants in VPS13A are known to be pathogenic (PMID: 12404112, 21598378). For these reasons, this variant has been classified as Pathogenic.